The following is an entry in ClinVar:

ClinVar aggregate classification (germline): Conflicting classifications of pathogenicity. Review status: criteria provided, conflicting classifications (1 of 4 stars). 2 submissions from 2 submitters: Pathogenic (1); Uncertain significance (1). Last evaluated 2023-08-10.

Conditions:
Neurodevelopmental disorder with or without hyperkinetic movements and seizures, autosomal dominant. Also called: Intellectual disability, autosomal dominant 8. Identifiers: MedGen C3280282, MONDO:0013655, OMIM 614254.

Submissions (2):

Labcorp Genetics (formerly Invitae), Labcorp
Classification: Pathogenic for Neurodevelopmental disorder with or without hyperkinetic movements and seizures, autosomal dominant. Last evaluated: 2023-08-10. Review status: criteria provided, single submitter. Criteria: Invitae Variant Classification Sherloc (09022015). Collection method: clinical testing. Allele origin: germline.
Comment: For these reasons, this variant has been classified as Pathogenic. ClinVar contains an entry for this variant (Variation ID: 488975). This variant has not been reported in the literature in individuals affected with GRIN1-related conditions. This variant is not present in population databases (gnomAD no frequency). This sequence change creates a premature translational stop signal (p.Cys79*) in the GRIN1 gene. It is expected to result in an absent or disrupted protein product. Loss-of-function variants in GRIN1 are known to be pathogenic (PMID: 27164704, 35393335).

GeneDx
Classification: Uncertain significance. Last evaluated: 2017-03-24. Review status: criteria provided, single submitter. Criteria: GeneDx Variant Classification (06012015). Collection method: clinical testing. Allele origin: germline. Affected: yes.
Comment: The C79X variant in the GRIN1 gene has not been reported previously as a pathogenic variant nor as a benign variant, to our knowledge. This variant is predicted to cause loss of normal protein function either through protein truncation or nonsense-mediated mRNA decay. The C79X variant is not observed in large population cohorts (Lek et al., 2016; 1000 Genomes Consortium et al., 2015; Exome Variant Server). Based on the information available, we interpret C79X as a variant of uncertain significance.

Literature cited by the submitters: PubMed 27164704 (cited by Labcorp Genetics (formerly Invitae), Labcorp); PubMed 35393335 (cited by Labcorp Genetics (formerly Invitae), Labcorp).

NM_007327.4(GRIN1):c.237C>A (p.Cys79Ter)

Gene: GRIN1 (glutamate ionotropic receptor NMDA type subunit 1; plus strand). Cytogenetic location: 9q34.3.
Variant type: single nucleotide variant.
Coding change: c.237C>A on transcript NM_007327.4 (MANE Select); coding-DNA position 237, C replaced by A.
Protein change: p.Cys79Ter; replaces cysteine 79 with a stop codon.
Molecular consequence: nonsense.
Genome position (GRCh38, 1-based): chr9:137,139,723, C>A. VCF-style: chr9-137139723-C-A. GRCh37 (hg19) VCF-style: chr9-140034175-C-A.
Other names: c.237C>A, p.Cys79Ter (NM_000832.7, NM_001185090.2, NM_001185091.2 and 1 more transcripts); short protein forms C79*.
Identifiers: ClinVar variation 488975 (VCV000488975.8), dbSNP rs200529044, ClinGen allele CA375713444.